The following is an entry in ClinVar:

ClinVar aggregate classification (germline): Uncertain significance (0 of 4 stars; one submission).

Conditions:
LRRC45-related disorder. Also called: LRRC45-related condition.

Submission:

PreventionGenetics, part of Exact Sciences
Classification: Uncertain significance for LRRC45-related condition. Last evaluated: 2024-08-20. Review status: no assertion criteria provided. Collection method: clinical testing. Allele origin: germline.
Comment: The LRRC45 c.1561G>T variant is predicted to result in the amino acid substitution p.Gly521Cys. To our knowledge, this variant has not been reported in the literature or in a large population database, indicating this variant is rare. At this time, the clinical significance of this variant is uncertain due to the absence of conclusive functional and genetic evidence.

NM_144999.4(LRRC45):c.1561G>T (p.Gly521Cys)

Gene: LRRC45 (leucine rich repeat containing 45; plus strand). Cytogenetic location: 17q25.3.
Variant type: single nucleotide variant.
Coding change: c.1561G>T on transcript NM_144999.4 (MANE Select); coding-DNA position 1561, G replaced by T.
Protein change: p.Gly521Cys; replaces glycine 521 with cysteine.
Molecular consequence: missense variant.
Genome position (GRCh38, 1-based): chr17:82,030,131, G>T. VCF-style: chr17-82030131-G-T. GRCh37 (hg19) VCF-style: chr17-79988007-G-T.
Other names: short protein forms G521C.
Identifiers: ClinVar variation 3345523 (VCV003345523.1).